The following is an entry in ClinVar:

ClinVar aggregate classification (germline): Uncertain significance (1 of 4 stars; one submission).

gnomAD v4.1: 6 of 1,613,304 alleles (0.00037%); highest among the groups gnomAD compares: Admixed American, 0.0017%; no homozygotes.

Submission:

Labcorp Genetics (formerly Invitae), Labcorp
Classification: Uncertain significance. Last evaluated: 2024-04-26. Review status: criteria provided, single submitter. Criteria: Invitae Variant Classification Sherloc (09022015). Collection method: clinical testing. Allele origin: germline.
Comment: This sequence change replaces histidine, which is basic and polar, with leucine, which is neutral and non-polar, at codon 1111 of the ITSN2 protein (p.His1111Leu). This variant is not present in population databases (gnomAD no frequency). This variant has not been reported in the literature in individuals affected with ITSN2-related conditions. Experimental studies and prediction algorithms are not available or were not evaluated, and the functional significance of this variant is currently unknown. In summary, the available evidence is currently insufficient to determine the role of this variant in disease. Therefore, it has been classified as a Variant of Uncertain Significance.

NM_006277.3(ITSN2):c.3332A>T (p.His1111Leu)

Gene: ITSN2 (intersectin 2; minus strand). Cytogenetic location: 2p23.3.
Variant type: single nucleotide variant.
Coding change: c.3332A>T on transcript NM_006277.3 (MANE Select); coding-DNA position 3332, A replaced by T.
Protein change: p.His1111Leu; replaces histidine 1111 with leucine.
Molecular consequence: missense variant.
Genome position (GRCh38, 1-based): chr2:24,246,850, T>A on the plus strand (A>T on the coding strand, the complement: ITSN2 is on the minus strand). VCF-style: chr2-24246850-T-A. GRCh37 (hg19) VCF-style: chr2-24469719-T-A.
Other names: c.3290A>T, p.His1097Leu (NM_001348181.2); c.3212A>T, p.His1071Leu (NM_001348182.2, NM_001348186.2); c.3251A>T, p.His1084Leu (NM_001348183.2, NM_019595.4); c.3209A>T, p.His1070Leu (NM_001348184.2); c.3293A>T, p.His1098Leu (NM_001348185.2); c.3332A>T, p.His1111Leu (NM_147152.3); short protein forms H1070L, H1071L, H1098L, H1084L, H1097L, H1111L.
Identifiers: ClinVar variation 3678611 (VCV003678611.2).
Genomic context (GRCh38, chr2:24,246,850, plus strand): 5'-TCCATACCAGGATGAAAGGCAGGTGTGGCTCTTTCACTACTTGGACCCAAAAGTTTAACA[T>A]GACTGGCAGGAAACCATCCTTTCTGTCGCTTTTTTCCTCTGGCCTAAAAATTAGCAAAAG-3'
Protein context (NP_006268.2, residues 1101-1121): KRQKGWFPAS[His1111Leu]VKLLGPSSER